The following is an entry in ClinVar:

NM_015065.3(EXPH5):c.5625G>A (p.Arg1875=)

Gene: EXPH5 (exophilin 5; minus strand). Cytogenetic location: 11q22.3.
Variant type: single nucleotide variant.
Coding change: c.5625G>A on transcript NM_015065.3 (MANE Select); coding-DNA position 5625, G replaced by A.
Protein change: p.Arg1875=; no amino-acid change (arginine 1875 retained).
Molecular consequence: synonymous variant.
Genome position (GRCh38, 1-based): chr11:108,509,882, C>T on the plus strand (G>A on the coding strand, the complement: EXPH5 is on the minus strand). VCF-style: chr11-108509882-C-T. GRCh37 (hg19) VCF-style: chr11-108380609-C-T.
Other names: c.5397G>A, p.Arg1799= (NM_001144763.2); c.5157G>A, p.Arg1719= (NM_001144764.2); c.5061G>A, p.Arg1687= (NM_001144765.2); c.5604G>A, p.Arg1868= (NM_001308019.2).
Identifiers: ClinVar variation 785381 (VCV000785381.12), dbSNP rs115867994, ClinGen allele CA6267296.
Genomic context (GRCh38, chr11:108,509,882, plus strand): 5'-TAACTGTTGTTCTTTCCCAAAGATCCCATAGTCGATAGGTCTGTATATAGATATTGCAGA[C>T]CTGGGACCTGTTTTTGTCCCGCTGCGATAAGCCCAACTTTCATTTCCATCACAGGAGGGG-3'
Protein context (NP_055880.2, residues 1865-1885): AYRSGTKTGP[Arg1875=]SAISIYRPID

ClinVar aggregate classification (germline): Benign. Review status: criteria provided, multiple submitters, no conflicts (2 of 4 stars). 3 submissions from 3 submitters: Benign (2). 1 of the submissions does not count toward it. Last evaluated 2026-02-02.

Conditions:
EXPH5-related disorder. Also called: EXPH5-related condition.

Allele frequency attached by ClinVar (database versions not stated): ExAC 0.00365; gnomAD 0.01113 and 0.01190; 1000 Genomes Project 30x 0.01234; TOPMed 0.01299; 1000 Genomes Project 0.01318; ESP Exome Variant Server 0.01339.
gnomAD v4.1: 3,269 of 1,609,088 alleles (0.2%); highest among the groups gnomAD compares: African/African-American, 3.8%; 58 homozygotes.

Submissions (3):

Labcorp Genetics (formerly Invitae), Labcorp
Classification: Benign. Last evaluated: 2026-02-02. Review status: criteria provided, single submitter. Criteria: Invitae Variant Classification Sherloc (09022015). Collection method: clinical testing. Allele origin: germline.

Breakthrough Genomics
Classification: Benign. Review status: criteria provided, single submitter. Criteria: ACMG Guidelines, 2015. Collection method: not provided. Allele origin: germline. Inheritance: Autosomal recessive inheritance. Affected: yes.

PreventionGenetics, part of Exact Sciences
Classification: Benign for EXPH5-related condition. Last evaluated: 2024-04-15. Review status: no assertion criteria provided. Collection method: clinical testing. Allele origin: germline. Not counted in ClinVar's aggregate classification.
Comment: This variant is classified as benign based on ACMG/AMP sequence variant interpretation guidelines (Richards et al. 2015 PMID: 25741868, with internal and published modifications).